The following is an entry in ClinVar:

ClinVar aggregate classification (germline): Conflicting classifications of pathogenicity. Review status: criteria provided, conflicting classifications (1 of 4 stars). 4 submissions from 4 submitters: Uncertain significance (3); Likely benign (1). Last evaluated 2025-10-13.

Conditions:
Hyperplastic polyposis syndrome. Identifiers: Orphanet 157798, MedGen C4296896, MONDO:0015524.

Allele frequency attached by ClinVar (database versions not stated): gnomAD 0.00012 and 0.00013; ESP Exome Variant Server 0.00015; ExAC 0.00016; TOPMed 0.00017; gnomAD exomes 0.00009 and 0.00021.
gnomAD v4.1: 157 of 1,612,836 alleles (0.0097%); highest among the groups gnomAD compares: Admixed American, 0.028%; no homozygotes.

Submissions (4):

Labcorp Genetics (formerly Invitae), Labcorp
Classification: Likely benign. Last evaluated: 2025-10-13. Review status: criteria provided, single submitter. Criteria: Invitae Variant Classification Sherloc (09022015). Collection method: clinical testing. Allele origin: germline.

GeneDx
Classification: Uncertain significance. Last evaluated: 2024-11-03. Review status: criteria provided, single submitter. Criteria: GeneDx Variant Classification Process June 2021. Collection method: clinical testing. Allele origin: germline.
Comment: Identified in an individual with a personal history of pancreatic neuroendocrine tumor (PMID: 35171259); In silico analysis indicates that this missense variant does not alter protein structure/function; This variant is associated with the following publications: (PMID: 30475948, 35171259, 38136308)

Ambry Genetics
Classification: Uncertain significance. Last evaluated: 2024-07-30. Review status: criteria provided, single submitter. Criteria: Ambry Variant Classification Scheme 2023. Collection method: clinical testing. Allele origin: germline.
Comment: The p.R554W variant (also known as c.1660C>T), located in coding exon 8 of the RNF43 gene, results from a C to T substitution at nucleotide position 1660. The arginine at codon 554 is replaced by tryptophan, an amino acid with dissimilar properties. This amino acid position is well conserved in available vertebrate species. In addition, this alteration is predicted to be tolerated by in silico analysis. Based on the available evidence, the clinical significance of this variant remains unclear.

Department of Pathology and Laboratory Medicine, Sinai Health System
Classification: Uncertain significance for Hyperplastic polyposis syndrome. Last evaluated: 2023-06-23. Review status: criteria provided, single submitter. Criteria: ACMG Guidelines, 2015. Collection method: clinical testing. Allele origin: germline. Affected: yes.

NM_017763.6(RNF43):c.1660C>T (p.Arg554Trp)

Gene: RNF43 (ring finger protein 43; minus strand). Cytogenetic location: 17q22.
Variant type: single nucleotide variant.
Coding change: c.1660C>T on transcript NM_017763.6 (MANE Select); coding-DNA position 1660, C replaced by T.
Protein change: p.Arg554Trp; replaces arginine 554 with tryptophan.
Molecular consequence: missense variant.
Genome position (GRCh38, 1-based): chr17:58,358,116, G>A on the plus strand (C>T on the coding strand, the complement: RNF43 is on the minus strand). VCF-style: chr17-58358116-G-A. GRCh37 (hg19) VCF-style: chr17-56435477-G-A.
Other names: c.1660C>T, p.Arg554Trp (NM_001305544.3); c.1279C>T, p.Arg427Trp (NM_001305545.2); short protein forms R427W, R554W.
Identifiers: ClinVar variation 1140674 (VCV001140674.14), dbSNP rs372129321, ClinGen allele CA8673137.
Genomic context (GRCh38, chr17:58,358,116, plus strand): 5'-CGGTTTCTGGGCCAGGCTTCCTGCCATGCCACTGGAACCGCTTTTTGTAGTGGTGGTGCC[G>A]GTGGCGGTGGTAGTGGACATGGCTGGAAACCTGGGTTTCCCCTGTGGGCACCACCGAGTC-3'
Protein context (NP_060233.3, residues 544-564): VSSHVHYHRH[Arg554Trp]HHHYKKRFQW